The following is an entry in ClinVar:

NM_001142966.3(GREB1L):c.5024A>G (p.Lys1675Arg)

Gene: GREB1L (GREB1 like retinoic acid receptor coactivator; plus strand). Cytogenetic location: 18q11.2.
Variant type: single nucleotide variant.
Coding change: c.5024A>G on transcript NM_001142966.3 (MANE Select); coding-DNA position 5024, A replaced by G.
Protein change: p.Lys1675Arg; replaces lysine 1675 with arginine.
Molecular consequence: missense variant.
Genome position (GRCh38, 1-based): chr18:21,515,539, A>G. VCF-style: chr18-21515539-A-G. GRCh37 (hg19) VCF-style: chr18-19095500-A-G.
Other names: c.5153A>G, p.Lys1718Arg (NM_001410867.1); c.4697A>G, p.Lys1566Arg (NM_001410868.1); c.5024A>G (NM_001142966.1); short protein forms K1566R, K1675R, K1718R.
Identifiers: ClinVar variation 3627461 (VCV003627461.3).

ClinVar aggregate classification (germline): Uncertain significance. Review status: criteria provided, multiple submitters, no conflicts (2 of 4 stars). 2 submissions from 2 submitters: Uncertain significance (2). Last evaluated 2026-08-12.

Conditions:
GREB1L-related disorder. Also called: GREB1L-related condition.

gnomAD v4.1: 12 of 1,551,604 alleles (0.00077%); highest among the groups gnomAD compares: Middle Eastern, 0.1%; no homozygotes.

Submissions (2):

PreventionGenetics, part of Exact Sciences
Classification: Uncertain significance for GREB1L-related condition. Last evaluated: 2026-08-12. Review status: criteria provided, single submitter. Criteria: ACMG Guidelines, 2015. Collection method: clinical testing. Allele origin: germline.
Comment: The GREB1L c.5024A>G variant is predicted to result in the amino acid substitution p.Lys1675Arg. To our knowledge, this variant has not been reported in the literature or in a large population database (gnomAD), indicating this variant is rare. At this time, the clinical significance of this variant is uncertain due to the absence of conclusive functional and genetic evidence.

Labcorp Genetics (formerly Invitae), Labcorp
Classification: Uncertain significance. Last evaluated: 2025-09-28. Review status: criteria provided, single submitter. Criteria: Invitae Variant Classification Sherloc (09022015). Collection method: clinical testing. Allele origin: germline.
Comment: This sequence change replaces lysine, which is basic and polar, with arginine, which is basic and polar, at codon 1675 of the GREB1L protein (p.Lys1675Arg). This variant is not present in population databases (gnomAD no frequency). This variant has not been reported in the literature in individuals affected with GREB1L-related conditions. ClinVar contains an entry for this variant (Variation ID: 3627461). An algorithm developed to predict the effect of missense changes on protein structure and function outputs the following: PolyPhen-2: "Benign". The arginine amino acid residue is found in multiple mammalian species, which suggests that this missense change does not adversely affect protein function. In summary, the available evidence is currently insufficient to determine the role of this variant in disease. Therefore, it has been classified as a Variant of Uncertain Significance.